The following is an entry in ClinVar:

NM_000329.3(RPE65):c.12-1G>C

Gene: RPE65 (retinoid isomerohydrolase RPE65; minus strand). Cytogenetic location: 1p31.3.
Variant type: single nucleotide variant.
Coding change: c.12-1G>C on transcript NM_000329.3 (MANE Select); the canonical splice acceptor site of the intron before coding-DNA position 12, G replaced by C.
Molecular consequence: splice acceptor variant. On other transcripts: intron variant (1).
Genome position (GRCh38, 1-based): chr1:68,448,707, C>G on the plus strand (G>C on the coding strand, the complement: RPE65 is on the minus strand). VCF-style: chr1-68448707-C-G. GRCh37 (hg19) VCF-style: chr1-68914390-C-G.
Other names: c.-183+1188G>C (NM_001406857.1); c.-114-1G>C (NM_001406856.1); c.12-1G>C (NM_001406853.1, NM_001406859.1, NM_001406860.1).
Identifiers: ClinVar variation 1465763 (VCV001465763.10), dbSNP rs1348031618, ClinGen allele CA340750357.

ClinVar aggregate classification (germline): Likely pathogenic. Review status: criteria provided, multiple submitters, no conflicts (2 of 4 stars). 3 submissions from 3 submitters: Likely pathogenic (3). Last evaluated 2025-10-17.

Conditions:
Retinitis pigmentosa 20 (RP20). Identifiers: Orphanet 791, MedGen C3151086, MONDO:0013425, OMIM 613794.
Leber congenital amaurosis 2 (LCA2). Also called: AMAUROSIS CONGENITA OF LEBER II; Autosomal Recessive RPE65-Related Retinal Degeneration. Identifiers: Orphanet 65, MedGen C1859844, MONDO:0008765, OMIM 204100. Disease mechanism: loss of function.
RPE65-related recessive retinopathy. Also called: Recessive RPE65 retinopathy. Identifiers: MedGen CN305526, MONDO:0100368.
Leber congenital amaurosis (LCA). Also called: Leber's amaurosis. Identifiers: Orphanet 65, MedGen C0339527, MeSH D057130, MONDO:0018998.

Submissions (3):

Myriad Genetics, Inc.
Classification: Likely pathogenic for RPE65-related recessive retinopathy. Last evaluated: 2025-10-17. Review status: criteria provided, single submitter. Criteria: Myriad Autosomal Dominant, Autosomal Recessive and X-Linked Classification Criteria (2023). Collection method: clinical testing. Allele origin: unknown.
Comment: NM_000329.2(RPE65):c.12-1G>C is a variant in a canonical splice site classified as likely pathogenic in the context of inherited retinal dystrophy, RPE65-related. c.12-1G>C has not been observed in cases with relevant disease. Relevant functional assessments of this variant are not available in the literature. c.12-1G>C has not been observed in referenced population frequency databases. In summary, NM_000329.2(RPE65):c.12-1G>C is a variant in a canonical splice site in a gene where loss of function is a known mechanism of disease and is predicted to disrupt protein function. Please note: this variant was assessed in the context of healthy population screening.

Women's Health and Genetics/Laboratory Corporation of America, LabCorp
Classification: Likely pathogenic for Leber congenital amaurosis. Last evaluated: 2024-07-08. Review status: criteria provided, single submitter. Criteria: LabCorp Variant Classification Summary - May 2015. Collection method: clinical testing. Allele origin: germline.
Comment: Variant summary: RPE65 c.12-1G>C is located in a canonical splice-site and is predicted to affect mRNA splicing resulting in a significantly altered protein due to either exon skipping, shortening, or inclusion of intronic material. Several computational tools predict a significant impact on normal splicing: Four predict the variant abolishes a 3' acceptor site. However, these predictions have yet to be confirmed by functional studies. The variant was absent in 250140 control chromosomes. To our knowledge, no occurrence of c.12-1G>C in individuals affected with Leber Congenital Amaurosis and no experimental evidence demonstrating its impact on protein function have been reported. ClinVar contains an entry for this variant (Variation ID: 1465763). Based on the evidence outlined above, the variant was classified as likely pathogenic.

Labcorp Genetics (formerly Invitae), Labcorp
Classification: Likely pathogenic for Leber congenital amaurosis 2; Retinitis pigmentosa 20. Last evaluated: 2023-06-03. Review status: criteria provided, single submitter. Criteria: Invitae Variant Classification Sherloc (09022015). Collection method: clinical testing. Allele origin: germline.
Comment: ClinVar contains an entry for this variant (Variation ID: 1465763). Algorithms developed to predict the effect of sequence changes on RNA splicing suggest that this variant may disrupt the consensus splice site. In summary, the currently available evidence indicates that the variant is pathogenic, but additional data are needed to prove that conclusively. Therefore, this variant has been classified as Likely Pathogenic. This sequence change affects an acceptor splice site in intron 1 of the RPE65 gene. It is expected to disrupt RNA splicing. Variants that disrupt the donor or acceptor splice site typically lead to a loss of protein function (PMID: 16199547), and loss-of-function variants in RPE65 are known to be pathogenic (PMID: 9326941, 9501220, 9843205, 18632300). This variant is not present in population databases (gnomAD no frequency). This variant has not been reported in the literature in individuals affected with RPE65-related conditions.

Literature cited by the submitters: PubMed 16199547 (cited by Labcorp Genetics (formerly Invitae), Labcorp); PubMed 9326941 (cited by Labcorp Genetics (formerly Invitae), Labcorp); PubMed 9501220 (cited by Labcorp Genetics (formerly Invitae), Labcorp); PubMed 9843205 (cited by Labcorp Genetics (formerly Invitae), Labcorp); PubMed 18632300 (cited by Labcorp Genetics (formerly Invitae), Labcorp).